The following is an entry in ClinVar:

ClinVar aggregate classification (germline): Benign/Likely benign. Review status: criteria provided, multiple submitters, no conflicts (2 of 4 stars). 4 submissions from 4 submitters: Benign (3); Likely benign (1). Last evaluated 2026-08-01.

Allele frequency attached by ClinVar (database versions not stated): 1000 Genomes Project 30x 0.00297; 1000 Genomes Project 0.00319; ExAC 0.00644; TOPMed 0.00650; gnomAD exomes 0.00655 and 0.01049; gnomAD 0.00693 and 0.00703; ESP Exome Variant Server 0.01015.

Submissions (4):

CeGaT Center for Human Genetics Tuebingen
Classification: Benign. Last evaluated: 2026-08-01. Review status: criteria provided, single submitter. Criteria: CeGaT Center For Human Genetics Tuebingen Variant Classification Criteria Version 2. Collection method: clinical testing. Allele origin: germline. Affected: yes. Observed: 7 variant alleles.
Comment: SLC34A2: BP4, BS1, BS2

Labcorp Genetics (formerly Invitae), Labcorp
Classification: Benign. Last evaluated: 2025-12-19. Review status: criteria provided, single submitter. Criteria: Invitae Variant Classification Sherloc (09022015). Collection method: clinical testing. Allele origin: germline.

Blueprint Genetics
Classification: Likely benign. Last evaluated: 2024-11-26. Review status: criteria provided, single submitter. Criteria: ACMG Guidelines, 2015. Collection method: clinical testing. Allele origin: germline.

Breakthrough Genomics
Classification: Benign. Review status: criteria provided, single submitter. Criteria: ACMG Guidelines, 2015. Collection method: not provided. Allele origin: germline. Inheritance: Autosomal recessive inheritance. Affected: yes.

NM_006424.3(SLC34A2):c.666C>T (p.Phe222=)

Gene: SLC34A2 (solute carrier family 34 member 2; plus strand). Cytogenetic location: 4p15.2.
Variant type: single nucleotide variant.
Coding change: c.666C>T on transcript NM_006424.3 (MANE Select); coding-DNA position 666, C replaced by T.
Protein change: p.Phe222=; no amino-acid change (phenylalanine 222 retained).
Molecular consequence: synonymous variant.
Genome position (GRCh38, 1-based): chr4:25,669,677, C>T. VCF-style: chr4-25669677-C-T. GRCh37 (hg19) VCF-style: chr4-25671299-C-T.
Other names: c.663C>T, p.Phe221= (NM_001177998.2, NM_001177999.2).
Identifiers: ClinVar variation 779418 (VCV000779418.34), dbSNP rs78013784, ClinGen allele CA2879545.